The following is an entry in ClinVar:

NM_004995.4(MMP14):c.1661C>T (p.Ala554Val)

Gene: MMP14 (matrix metallopeptidase 14; plus strand). Cytogenetic location: 14q11.2.
Variant type: single nucleotide variant.
Coding change: c.1661C>T on transcript NM_004995.4 (MANE Select); coding-DNA position 1661, C replaced by T.
Protein change: p.Ala554Val; replaces alanine 554 with valine.
Molecular consequence: missense variant.
Genome position (GRCh38, 1-based): chr14:22,845,951, C>T. VCF-style: chr14-22845951-C-T. GRCh37 (hg19) VCF-style: chr14-23315160-C-T.
Other names: short protein forms A554V.
Identifiers: ClinVar variation 2784237 (VCV002784237.3), dbSNP rs763861973, ClinGen allele CA7105538.

ClinVar aggregate classification (germline): Uncertain significance (1 of 4 stars; one submission).

Allele frequency attached by ClinVar (database versions not stated): gnomAD exomes 0.00001; TOPMed 0.00001; ExAC 0.00002.

Submission:

Labcorp Genetics (formerly Invitae), Labcorp
Classification: Uncertain significance. Last evaluated: 2023-03-04. Review status: criteria provided, single submitter. Criteria: Invitae Variant Classification Sherloc (09022015). Collection method: clinical testing. Allele origin: germline.
Comment: This sequence change replaces alanine, which is neutral and non-polar, with valine, which is neutral and non-polar, at codon 554 of the MMP14 protein (p.Ala554Val). The frequency data for this variant in the population databases is considered unreliable, as metrics indicate poor data quality at this position in the gnomAD database. This variant has not been reported in the literature in individuals affected with MMP14-related conditions. An algorithm developed to predict the effect of missense changes on protein structure and function (PolyPhen-2) suggests that this variant is likely to be tolerated. In summary, the available evidence is currently insufficient to determine the role of this variant in disease. Therefore, it has been classified as a Variant of Uncertain Significance.